The following is an entry in ClinVar:

NM_032492.4(JAGN1):c.310A>G (p.Met104Val)

Gene: JAGN1 (jagunal vesicle mediated transporter 1; plus strand). Cytogenetic location: 3p25.3.
Variant type: single nucleotide variant.
Coding change: c.310A>G on transcript NM_032492.4 (MANE Select); coding-DNA position 310, A replaced by G.
Protein change: p.Met104Val; replaces methionine 104 with valine.
Molecular consequence: missense variant.
Genome position (GRCh38, 1-based): chr3:9,893,135, A>G. VCF-style: chr3-9893135-A-G. GRCh37 (hg19) VCF-style: chr3-9934819-A-G.
Other names: c.148A>G, p.Met50Val (NM_001363890.1); short protein forms M104V, M50V.
Identifiers: ClinVar variation 2840819 (VCV002840819.3), dbSNP rs2469944489, ClinGen allele CA351715759.

ClinVar aggregate classification (germline): Uncertain significance (1 of 4 stars; one submission).

Conditions:
Autosomal recessive severe congenital neutropenia due to JAGN1 deficiency. Also called: Severe congenital neutropenia 6, autosomal recessive. Identifiers: Orphanet 423384, MedGen C4014954, MONDO:0014456, OMIM 616022.

Allele frequency attached by ClinVar (database versions not stated): gnomAD exomes below 0.00001.

Submission:

Labcorp Genetics (formerly Invitae), Labcorp
Classification: Uncertain significance for Autosomal recessive severe congenital neutropenia due to JAGN1 deficiency. Last evaluated: 2025-08-14. Review status: criteria provided, single submitter. Criteria: Invitae Variant Classification Sherloc (09022015). Collection method: clinical testing. Allele origin: germline.
Comment: This sequence change replaces methionine, which is neutral and non-polar, with valine, which is neutral and non-polar, at codon 104 of the JAGN1 protein (p.Met104Val). This variant is not present in population databases (gnomAD no frequency). This variant has not been reported in the literature in individuals affected with JAGN1-related conditions. ClinVar contains an entry for this variant (Variation ID: 2840819). An algorithm developed to predict the effect of missense changes on protein structure and function (PolyPhen-2) suggests that this variant is likely to be tolerated. In summary, the available evidence is currently insufficient to determine the role of this variant in disease. Therefore, it has been classified as a Variant of Uncertain Significance.